The following is an entry in ClinVar:

ClinVar aggregate classification (germline): Conflicting classifications of pathogenicity. Review status: criteria provided, conflicting classifications (1 of 4 stars). 15 submissions from 15 submitters: Uncertain significance (1); Benign (5); Likely benign (4). 5 of the submissions do not count toward it. Last evaluated 2026-06-01.

Conditions:
EPCAM-related disorder. Also called: EPCAM-related condition.
Hereditary cancer-predisposing syndrome. Also called: Tumor predisposition; Hereditary neoplastic syndrome; Neoplastic Syndromes, Hereditary; Hereditary Cancer Syndrome. Identifiers: Orphanet 140162, MedGen C0027672, MeSH D009386, MONDO:0015356.
Lynch syndrome. Identifiers: Orphanet 144, MedGen C4552100, MONDO:0005835. Disease mechanism: loss of function.

Allele frequency attached by ClinVar (database versions not stated): 1000 Genomes Project 30x 0.00094; 1000 Genomes Project 0.00100; TOPMed 0.00292; ESP Exome Variant Server 0.00431.

Submissions (15):

CeGaT Center for Human Genetics Tuebingen
Classification: Benign. Last evaluated: 2026-06-01. Review status: criteria provided, single submitter. Criteria: CeGaT Center For Human Genetics Tuebingen Variant Classification Criteria Version 2. Collection method: clinical testing. Allele origin: germline. Affected: yes. Observed: 22 variant alleles.
Comment: EPCAM: BP4, BS1, BS2

Labcorp Genetics (formerly Invitae), Labcorp
Classification: Benign. Last evaluated: 2026-01-15. Review status: criteria provided, single submitter. Criteria: Invitae Variant Classification Sherloc (09022015). Collection method: clinical testing. Allele origin: germline.

Dasa
Classification: Likely benign. Last evaluated: 2025-04-18. Review status: criteria provided, single submitter. Criteria: DASA Assertion Criteria. Collection method: clinical testing. Allele origin: germline.
Comment: NM_002354.3(EPCAM):c.267G>C (p.Gln89His) is a missense variant that results in the substitution of glutamine with histidine. Population frequency is inconsistent with a disease-causing role for this variant. Computational prediction algorithms are consistent with a benign effect. Therefore, based on the currently available evidence, this variant is classified as likely benign.

Blueprint Genetics
Classification: Likely benign. Last evaluated: 2024-11-24. Review status: criteria provided, single submitter. Criteria: ACMG Guidelines, 2015. Collection method: clinical testing. Allele origin: germline.

Institute for Clinical Genetics, University Hospital TU Dresden, University Hospital TU Dresden
Classification: Uncertain significance. Last evaluated: 2021-11-03. Review status: criteria provided, single submitter. Criteria: ACMG Guidelines, 2015. Collection method: clinical testing. Allele origin: germline.

Genetic Services Laboratory, University of Chicago
Classification: Benign. Last evaluated: 2021-04-28. Review status: criteria provided, single submitter. Criteria: ACMG Guidelines, 2015. Collection method: clinical testing. Allele origin: germline. Affected: no.

Sema4
Classification: Benign for Hereditary cancer-predisposing syndrome. Last evaluated: 2021-01-28. Review status: criteria provided, single submitter. Criteria: Sema4 Curation Guidelines. Collection method: curation. Allele origin: germline.

Women's Health and Genetics/Laboratory Corporation of America, LabCorp
Classification: Benign. Last evaluated: 2016-08-31. Review status: criteria provided, single submitter. Criteria: LabCorp Variant Classification Summary - May 2015. Collection method: clinical testing. Allele origin: germline.
Comment: Variant summary: The EPCAM c.267G>C (p.Gln89His) variant causes a missense change involving a non-conserved nucleotide with 2/3 in silico tools (SNPs&GO and Mutation Taster not captured here due to low reliability index and p-value, respectively) predicting a "damaging" outcome. The variant has been observed in the large, broad control population, ExAC, with an allele frequency of 313/121362 (1/387, 2 homozygotes), which significantly exceeds the estimated maximal expected allele frequency for a pathogenic EPCAM variant of 1/35211, suggesting this variant is likely a benign polymorphism. Multiple clinical diagnostic laboratories cite the variant as "likely benign/benign." Therefore, the variant of interest has been classified as Benign.

CSER _CC_NCGL, University of Washington
Classification: Likely benign for Lynch syndrome. Last evaluated: 2015-03-11. Review status: criteria provided, single submitter. Criteria: Amendola et al. (Genome Res. 2015). Collection method: research. Allele origin: germline. Inheritance: Autosomal dominant inheritance. Study: CSER - NEXT Medicine variant annotation.

GeneDx
Classification: Likely benign. Last evaluated: 2013-12-24. Review status: criteria provided, single submitter. Criteria: GeneDx Variant Classification (06012015). Collection method: clinical testing. Allele origin: germline. Affected: yes.
Comment: This variant is considered likely benign or benign based on one or more of the following criteria: it is a conservative change, it occurs at a poorly conserved position in the protein, it is predicted to be benign by multiple in silico algorithms, and/or has population frequency not consistent with disease.

PreventionGenetics, part of Exact Sciences
Classification: Likely benign for EPCAM-related condition. Last evaluated: 2024-05-31. Review status: no assertion criteria provided. Collection method: clinical testing. Allele origin: germline. Not counted in ClinVar's aggregate classification.
Comment: This variant is classified as likely benign based on ACMG/AMP sequence variant interpretation guidelines (Richards et al. 2015 PMID: 25741868, with internal and published modifications).

True Health Diagnostics
Classification: Likely benign for Hereditary cancer-predisposing syndrome. Last evaluated: 2017-11-15. Review status: no assertion criteria provided. Collection method: clinical testing. Allele origin: germline. Not counted in ClinVar's aggregate classification.

Diagnostic Laboratory, Department of Genetics, University Medical Center Groningen
Classification: Likely benign. Review status: no assertion criteria provided. Collection method: clinical testing. Allele origin: germline. Affected: yes. Study: VKGL Data-share Consensus. Not counted in ClinVar's aggregate classification.

Genome Diagnostics Laboratory, Amsterdam University Medical Center
Classification: Likely benign. Review status: no assertion criteria provided. Collection method: clinical testing. Allele origin: germline. Affected: yes. Study: VKGL Data-share Consensus. Not counted in ClinVar's aggregate classification.

Genome Diagnostics Laboratory, University Medical Center Utrecht
Classification: Likely benign. Review status: no assertion criteria provided. Collection method: clinical testing. Allele origin: germline. Affected: yes. Study: VKGL Data-share Consensus. Not counted in ClinVar's aggregate classification.

NM_002354.3(EPCAM):c.267G>C (p.Gln89His)

Gene: EPCAM (epithelial cell adhesion molecule; plus strand). Cytogenetic location: 2p21.
Variant type: single nucleotide variant.
Coding change: c.267G>C on transcript NM_002354.3 (MANE Select); coding-DNA position 267, G replaced by C.
Protein change: p.Gln89His; replaces glutamine 89 with histidine.
Molecular consequence: missense variant.
Genome position (GRCh38, 1-based): chr2:47,373,890, G>C. VCF-style: chr2-47373890-G-C. GRCh37 (hg19) VCF-style: chr2-47601029-G-C.
Other names: p.Q89H:CAG>CAC; short protein forms Q89H.
Identifiers: ClinVar variation 127848 (VCV000127848.67), dbSNP rs146480420, ClinGen allele CA287877.